The following is an entry in ClinVar:

NM_000143.4(FH):c.1156C>G (p.Gln386Glu)

Gene: FH (fumarate hydratase; minus strand). Cytogenetic location: 1q43.
Variant type: single nucleotide variant.
Coding change: c.1156C>G on transcript NM_000143.4 (MANE Select); coding-DNA position 1156, C replaced by G.
Protein change: p.Gln386Glu; replaces glutamine 386 with glutamic acid.
Molecular consequence: missense variant.
Genome position (GRCh38, 1-based): chr1:241,502,523, G>C on the plus strand (C>G on the coding strand, the complement: FH is on the minus strand). VCF-style: chr1-241502523-G-C. GRCh37 (hg19) VCF-style: chr1-241665823-G-C.
Other names: short protein forms Q386E.
Identifiers: ClinVar variation 1351372 (VCV001351372.8), dbSNP rs2147914963, ClinGen allele CA345437495.

ClinVar aggregate classification (germline): Uncertain significance (1 of 4 stars; one submission).

gnomAD v4.1: 1 of 1,614,076 alleles (0.000062%); highest among the groups gnomAD compares: Non-Finnish European, 0.000085%; no homozygotes.

Submission:

Labcorp Genetics (formerly Invitae), Labcorp
Classification: Uncertain significance. Last evaluated: 2024-11-30. Review status: criteria provided, single submitter. Criteria: Invitae Variant Classification Sherloc (09022015). Collection method: clinical testing. Allele origin: germline.
Comment: This sequence change replaces glutamine, which is neutral and polar, with glutamic acid, which is acidic and polar, at codon 386 of the FH protein (p.Gln386Glu). This variant is not present in population databases (gnomAD no frequency). This variant has not been reported in the literature in individuals affected with FH-related conditions. ClinVar contains an entry for this variant (Variation ID: 1351372). Invitae Evidence Modeling of protein sequence and biophysical properties (such as structural, functional, and spatial information, amino acid conservation, physicochemical variation, residue mobility, and thermodynamic stability) indicates that this missense variant is expected to disrupt FH protein function with a positive predictive value of 95%. This variant disrupts the p.Gln386 amino acid residue in FH. Other variant(s) that disrupt this residue have been determined to be pathogenic (PMID: 21398687, 25292446). This suggests that this residue is clinically significant, and that variants that disrupt this residue are likely to be disease-causing. In summary, the available evidence is currently insufficient to determine the role of this variant in disease. Therefore, it has been classified as a Variant of Uncertain Significance.

Literature cited by the submitters: PubMed 21398687; PubMed 25292446.